The following is an entry in ClinVar:

NM_001112.4(ADARB1):c.975C>T (p.Asp325=)

Gene: ADARB1 (adenosine deaminase RNA specific B1; plus strand). Cytogenetic location: 21q22.3.
Variant type: single nucleotide variant.
Coding change: c.975C>T on transcript NM_001112.4 (MANE Select); coding-DNA position 975, C replaced by T.
Protein change: p.Asp325=; no amino-acid change (aspartic acid 325 retained).
Molecular consequence: synonymous variant. On other transcripts: non-coding transcript variant (5).
Genome position (GRCh38, 1-based): chr21:45,180,341, C>T. VCF-style: chr21-45180341-C-T. GRCh37 (hg19) VCF-style: chr21-46600256-C-T.
Other names: p.Asp325=; c.975C>T, p.Asp325= (NM_001160230.2, NM_001346688.2, NM_015833.4 and 1 more transcripts); c.1122C>T, p.Asp374= (NM_001346687.2, NM_001410722.1).
Identifiers: ClinVar variation 4684440 (VCV004684440.1).
Genomic context (GRCh38, chr21:45,180,341, plus strand): 5'-GCTCCCAGCTGCATCTGGCCCCTAACCTGCATCTGTGCTTCCCACACAGGTTTTAGCTGA[C>T]GCTGTCTCACGCCTGGTCCTGGGTAAGTTTGGTGACCTGACCGACAACTTCTCCTCCCCT-3'
Protein context (NP_001103.1, residues 315-335): LQLHLPQVLA[Asp325=]AVSRLVLGKF

ClinVar aggregate classification (germline): Benign (1 of 4 stars; one submission).

gnomAD v4.1: 1,418 of 1,613,850 alleles (0.088%); highest among the groups gnomAD compares: African/African-American, 1.6%; 14 homozygotes.

Submission:

Mayo Clinic Laboratories, Mayo Clinic
Classification: Benign. Last evaluated: 2025-01-20. Review status: criteria provided, single submitter. Criteria: ACMG Guidelines, 2015. Collection method: clinical testing. Allele origin: germline. Observed: 2 variant alleles.
Comment: BS1, BS2, BP4, BP7